The following is an entry in ClinVar:

ClinVar aggregate classification (germline): Uncertain significance. Review status: criteria provided, multiple submitters, no conflicts (2 of 4 stars). 2 submissions from 2 submitters: Uncertain significance (2). Last evaluated 2022-05-11.

Conditions:
Inborn genetic diseases. Identifiers: MedGen C0950123, MeSH D030342.
Polyglucosan body myopathy type 1 (PGBM1). Also called: Polyglucosan body myopathy 1 with or without immunodeficiency; POLYGLUCOSAN BODY MYOPATHY WITHOUT IMMUNODEFICIENCY. Identifiers: Orphanet 329173, Orphanet 397937, MedGen C4014605, MONDO:0014389, OMIM 615895.

Allele frequency attached by ClinVar (database versions not stated): gnomAD exomes below 0.00001 and 0.00001; ExAC 0.00001; gnomAD 0.00001; TOPMed 0.00001.

Submissions (2):

Labcorp Genetics (formerly Invitae), Labcorp
Classification: Uncertain significance for Polyglucosan body myopathy type 1. Last evaluated: 2022-05-11. Review status: criteria provided, single submitter. Criteria: Invitae Variant Classification Sherloc (09022015). Collection method: clinical testing. Allele origin: germline.
Comment: This sequence change replaces glutamic acid, which is acidic and polar, with glutamine, which is neutral and polar, at codon 433 of the RBCK1 protein (p.Glu433Gln). This variant is present in population databases (rs754890674, gnomAD 0.002%). This variant has not been reported in the literature in individuals affected with RBCK1-related conditions. ClinVar contains an entry for this variant (Variation ID: 578757). Algorithms developed to predict the effect of missense changes on protein structure and function are either unavailable or do not agree on the potential impact of this missense change (SIFT: "Not Available"; PolyPhen-2: "Benign"; Align-GVGD: "Not Available"). In summary, the available evidence is currently insufficient to determine the role of this variant in disease. Therefore, it has been classified as a Variant of Uncertain Significance.

Ambry Genetics
Classification: Uncertain significance for Inborn genetic diseases. Last evaluated: 2021-10-18. Review status: criteria provided, single submitter. Criteria: Ambry Variant Classification Scheme 2023. Collection method: clinical testing. Allele origin: germline.

NM_031229.4(RBCK1):c.1297G>C (p.Glu433Gln)

Gene: RBCK1 (RANBP2-type and C3HC4-type zinc finger containing 1; plus strand). Cytogenetic location: 20p13.
Variant type: single nucleotide variant.
Coding change: c.1297G>C on transcript NM_031229.4 (MANE Select); coding-DNA position 1297, G replaced by C.
Protein change: p.Glu433Gln; replaces glutamic acid 433 with glutamine.
Molecular consequence: missense variant. On other transcripts: non-coding transcript variant (1).
Genome position (GRCh38, 1-based): chr20:428,578, G>C. VCF-style: chr20-428578-G-C. GRCh37 (hg19) VCF-style: chr20-409222-G-C.
Other names: c.787G>C, p.Glu263Gln (NM_001323956.2, NM_001323958.2); c.1171G>C, p.Glu391Gln (NM_006462.6); c.1297G>C (NM_031229.2); short protein forms E433Q, E391Q, E263Q.
Identifiers: ClinVar variation 578757 (VCV000578757.8), dbSNP rs754890674, ClinGen allele CA9723331.